The following is an entry in ClinVar:

ClinVar aggregate classification (germline): Uncertain significance. Review status: criteria provided, multiple submitters, no conflicts (2 of 4 stars). 7 submissions from 4 submitters: Uncertain significance (7). Last evaluated 2026-09-17.

Conditions:
Age related macular degeneration 4. Identifiers: MedGen C1853147, MONDO:0012540, OMIM 610698.
Factor H deficiency (CFHD). Also called: COMPLEMENT FACTOR H DEFICIENCY; CFH DEFICIENCY. Identifiers: Orphanet 200421, MedGen C0398777, MONDO:0012350, OMIM 609814.
Basal laminar drusen. Also called: DRUSEN OF BRUCH MEMBRANE; DRUSEN, CUTICULAR; DRUSEN, EARLY ADULT-ONSET, GROUPED. Identifiers: Orphanet 75376, MedGen C0730295, MONDO:0007472, OMIM 126700.
Hemolytic uremic syndrome, atypical, susceptibility to, 1. Also called: AHUS, SUSCEPTIBILITY TO, 1. Identifiers: Orphanet 2134, Orphanet 90038, MedGen C2749604, MONDO:0009335, OMIM 235400. Disease mechanism: Other.

Allele frequency attached by ClinVar (database versions not stated): gnomAD 0.00001; TOPMed 0.00001; gnomAD exomes 0.00004; ExAC 0.00007.
gnomAD v4.1: 12 of 1,613,554 alleles (0.00074%); highest among the groups gnomAD compares: Admixed American, 0.013%; no homozygotes.

Submissions (7):

Genomenon, Inc
Classification: Uncertain significance for Age related macular degeneration 4; Factor H deficiency. Last evaluated: 2026-09-17. Review status: criteria provided, single submitter. Criteria: Genomenon Sequence Variant Interpretation Standards - Updated. Collection method: curation. Allele origin: germline. Affected: yes.
Comment: CFH p.Phe717Leu (c.2151C>A) is a missense variant that changes the amino acid at codon 717 from phenylalanine to leucine. This variant has been observed in at least one proband affected with a CFH-related disorder (PMID: 26501415; 35925583). It is absent or not present at a significant frequency in gnomAD. In silico models predict that this variant is not damaging. In conclusion, we classify CFH p.Phe717Leu (c.2151C>A) as a variant of uncertain significance.

Labcorp Genetics (formerly Invitae), Labcorp
Classification: Uncertain significance. Last evaluated: 2025-10-04. Review status: criteria provided, single submitter. Criteria: Invitae Variant Classification Sherloc (09022015). Collection method: clinical testing. Allele origin: germline.
Comment: This sequence change replaces phenylalanine, which is neutral and non-polar, with leucine, which is neutral and non-polar, at codon 717 of the CFH protein (p.Phe717Leu). This variant is present in population databases (rs763441589, gnomAD 0.02%). This missense change has been observed in individual(s) with age-related macular degeneration and C3 glomerulopathies (PMID: 22456601, 26501415, 35925583). ClinVar contains an entry for this variant (Variation ID: 1023318). An algorithm developed to predict the effect of missense changes on protein structure and function outputs the following: PolyPhen-2: "Benign". The leucine amino acid residue is found in multiple mammalian species, which suggests that this missense change does not adversely affect protein function. In summary, the available evidence is currently insufficient to determine the role of this variant in disease. Therefore, it has been classified as a Variant of Uncertain Significance.

Fulgent Genetics
Classification: Uncertain significance for Basal laminar drusen; Hemolytic uremic syndrome, atypical, susceptibility to, 1; Factor H deficiency; Age related macular degeneration 4. Last evaluated: 2024-06-03. Review status: criteria provided, single submitter. Criteria: ACMG Guidelines, 2015. Collection method: clinical testing. Allele origin: germline.

Genome-Nilou Lab
Classification: Uncertain significance for Hemolytic uremic syndrome, atypical, susceptibility to, 1. Last evaluated: 2023-04-11. Review status: criteria provided, single submitter. Criteria: ACMG Guidelines, 2015. Collection method: clinical testing. Allele origin: germline. Affected: no.

Genome-Nilou Lab
Classification: Uncertain significance for Age related macular degeneration 4. Last evaluated: 2023-04-11. Review status: criteria provided, single submitter. Criteria: ACMG Guidelines, 2015. Collection method: clinical testing. Allele origin: germline. Affected: no.

Genome-Nilou Lab
Classification: Uncertain significance for Basal laminar drusen. Last evaluated: 2023-04-11. Review status: criteria provided, single submitter. Criteria: ACMG Guidelines, 2015. Collection method: clinical testing. Allele origin: germline. Affected: no.

Genome-Nilou Lab
Classification: Uncertain significance for Factor H deficiency. Last evaluated: 2023-04-11. Review status: criteria provided, single submitter. Criteria: ACMG Guidelines, 2015. Collection method: clinical testing. Allele origin: germline. Affected: no.

Literature cited by the submitters: PubMed 26501415 (cited by Genomenon, Inc and Labcorp Genetics (formerly Invitae), Labcorp); PubMed 35925583 (cited by Genomenon, Inc and Labcorp Genetics (formerly Invitae), Labcorp); PubMed 22456601 (cited by Labcorp Genetics (formerly Invitae), Labcorp).

NM_000186.4(CFH):c.2151C>A (p.Phe717Leu)

Gene: CFH (complement factor H; plus strand). Cytogenetic location: 1q31.3.
Variant type: single nucleotide variant.
Coding change: c.2151C>A on transcript NM_000186.4 (MANE Select); coding-DNA position 2151, C replaced by A.
Protein change: p.Phe717Leu; replaces phenylalanine 717 with leucine.
Molecular consequence: missense variant.
Genome position (GRCh38, 1-based): chr1:196,726,855, C>A. VCF-style: chr1-196726855-C-A. GRCh37 (hg19) VCF-style: chr1-196695985-C-A.
Other names: short protein forms F717L.
Identifiers: ClinVar variation 1023318 (VCV001023318.14), dbSNP rs763441589, ClinGen allele CA1305588.